The following is an entry in ClinVar:

NM_005619.5(RTN2):c.1283C>A (p.Thr428Lys)

Genes: OPA3-RTN2 (OPA3-RTN2 readthrough; minus strand), RTN2 (reticulon 2; minus strand). Cytogenetic location: 19q13.32.
Variant type: single nucleotide variant.
Coding change: c.1283C>A on transcript NM_005619.5 (MANE Select); coding-DNA position 1283, C replaced by A.
Protein change: p.Thr428Lys; replaces threonine 428 with lysine.
Molecular consequence: missense variant.
Genome position (GRCh38, 1-based): chr19:45,488,945, G>T on the plus strand (C>A on the coding strand, the complement: RTN2 is on the minus strand). VCF-style: chr19-45488945-G-T. GRCh37 (hg19) VCF-style: chr19-45992203-G-T.
Other names: c.1283C>A (NM_005619.3); c.1064C>A, p.Thr355Lys (NM_206900.3); c.263C>A, p.Thr88Lys (NM_206901.3); short protein forms T428K, T355K, T88K.
Identifiers: ClinVar variation 580629 (VCV000580629.9), dbSNP rs74368484, ClinGen allele CA9516024.
Genomic context (GRCh38, chr19:45,488,945, plus strand): 5'-TGCCGCAGCTGCGTGGCCGCCGAGACCACGCGGGAGGTGATCTGGTGGGACAAACGTTCC[G>T]TCTGCTCCCGAGTCAGGGTGAGGTCCACATCCAGGTAGGCCCTGCGGGGACAAAGGAGTG-3'
Protein context (NP_005610.1, residues 418-438): DVDLTLTREQ[Thr428Lys]ERLSHQITSR

ClinVar aggregate classification (germline): Uncertain significance. Review status: criteria provided, multiple submitters, no conflicts (2 of 4 stars). 2 submissions from 2 submitters: Uncertain significance (2). Last evaluated 2024-08-14.

Conditions:
Inborn genetic diseases. Identifiers: MedGen C0950123, MeSH D030342.
Spastic paraplegia. Identifiers: MedGen C0037772, HP:0001258.

Allele frequency attached by ClinVar (database versions not stated): ESP Exome Variant Server 0.00015; 1000 Genomes Project 30x 0.00016; 1000 Genomes Project 0.00020; TOPMed 0.00038.
gnomAD v4.1: 47 of 1,611,590 alleles (0.0029%); highest among the groups gnomAD compares: Non-Finnish European, 0.0019%; no homozygotes.

Submissions (2):

Ambry Genetics
Classification: Uncertain significance for Inborn genetic diseases. Last evaluated: 2024-08-14. Review status: criteria provided, single submitter. Criteria: Ambry Variant Classification Scheme 2023. Collection method: clinical testing. Allele origin: germline.

Labcorp Genetics (formerly Invitae), Labcorp
Classification: Uncertain significance for Spastic paraplegia. Last evaluated: 2018-01-31. Review status: criteria provided, single submitter. Criteria: Invitae Variant Classification Sherloc (09022015). Collection method: clinical testing. Allele origin: germline.
Comment: In summary, the available evidence is currently insufficient to determine the role of this variant in disease. Therefore, it has been classified as a Variant of Uncertain Significance. Algorithms developed to predict the effect of missense changes on protein structure and function output the following: SIFT: "Deleterious"; PolyPhen-2: "Benign"; Align-GVGD: "Class C0". The lysine amino acid residue is found in multiple mammalian species, suggesting that this missense change does not adversely affect protein function. These predictions have not been confirmed by published functional studies and their clinical significance is uncertain. This variant has not been reported in the literature in individuals with RTN2-related disease. This variant is present in population databases (rs74368484, ExAC 0.004%). This sequence change replaces threonine with lysine at codon 428 of the RTN2 protein (p.Thr428Lys). The threonine residue is moderately conserved and there is a moderate physicochemical difference between threonine and lysine.